The following is an entry in ClinVar:

ClinVar aggregate classification (germline): Uncertain significance (1 of 4 stars; one submission).

Conditions:
EYS-related disorder. Also called: EYS-related condition.

gnomAD v4.1: 6 of 1,551,014 alleles (0.00039%); highest among the groups gnomAD compares: South Asian, 0.006%; no homozygotes.

Submission:

PreventionGenetics, part of Exact Sciences
Classification: Uncertain significance for EYS-related condition. Last evaluated: 2026-02-20. Review status: criteria provided, single submitter. Criteria: ACMG Guidelines, 2015. Collection method: clinical testing. Allele origin: germline.
Comment: The EYS c.1842A>G variant is predicted to result in the amino acid substitution p.Ile614Met. To our knowledge, this variant has not been reported in the literature. This variant is reported in 0.0088% of alleles in individuals of South Asian descent in gnomAD. At this time, the clinical significance of this variant is uncertain due to the absence of conclusive functional and genetic evidence.

NM_001142800.2(EYS):c.1842A>G (p.Ile614Met)

Gene: EYS (EGF-like photoreceptor maintenance factor; minus strand). Cytogenetic location: 6q12.
Variant type: single nucleotide variant.
Coding change: c.1842A>G on transcript NM_001142800.2 (MANE Select); coding-DNA position 1842, A replaced by G.
Protein change: p.Ile614Met; replaces isoleucine 614 with methionine.
Molecular consequence: missense variant.
Genome position (GRCh38, 1-based): chr6:65,296,044, T>C on the plus strand (A>G on the coding strand, the complement: EYS is on the minus strand). VCF-style: chr6-65296044-T-C. GRCh37 (hg19) VCF-style: chr6-66005937-T-C.
Other names: c.1842A>G, p.Ile614Met (NM_001292009.2); short protein forms I614M.
Identifiers: ClinVar variation 4986170 (VCV004986170.1).